The following is an entry in ClinVar:

NM_000243.3(MEFV):c.1532C>T (p.Ala511Val)

Gene: MEFV (MEFV innate immunity regulator, pyrin; minus strand). Cytogenetic location: 16p13.3.
Variant type: single nucleotide variant.
Coding change: c.1532C>T on transcript NM_000243.3 (MANE Select); coding-DNA position 1532, C replaced by T.
Protein change: p.Ala511Val; replaces alanine 511 with valine.
Molecular consequence: missense variant.
Genome position (GRCh38, 1-based): chr16:3,247,071, G>A on the plus strand (C>T on the coding strand, the complement: MEFV is on the minus strand). VCF-style: chr16-3247071-G-A. GRCh37 (hg19) VCF-style: chr16-3297071-G-A.
Other names: c.899C>T, p.Ala300Val (NM_001198536.2); short protein forms A511V, A300V.
Identifiers: ClinVar variation 646921 (VCV000646921.11), dbSNP rs144270019, ClinGen allele CA7860107.

ClinVar aggregate classification (germline): Conflicting classifications of pathogenicity. Review status: criteria provided, conflicting classifications (1 of 4 stars). 8 submissions from 6 submitters: Uncertain significance (4); Benign (2); Likely benign (1). 1 of the submissions does not count toward it. Last evaluated 2024-12-03.

Conditions:
Acute febrile neutrophilic dermatosis (AFND). Also called: Sweet Syndrome; Gomm Button disease. Identifiers: Orphanet 3243, MedGen C0085077, MONDO:0011959, OMIM 608068.
Familial Mediterranean fever (FMF). Also called: POLYSEROSITIS, FAMILIAL PAROXYSMAL; POLYSEROSITIS, RECURRENT; Periodic peritonitis; Benign paroxysmal peritonitis. Identifiers: Orphanet 342, MedGen C0031069, MONDO:0018088, OMIM 249100. Disease mechanism: gain of function.
Familial Mediterranean fever, autosomal dominant. Also called: Dominant Familial Mediterranean Fever; FMF, AUTOSOMAL DOMINANT. Identifiers: Orphanet 342, MedGen C1851347, MONDO:0007601, OMIM 134610.

Allele frequency attached by ClinVar (database versions not stated): gnomAD exomes 0.00004; TOPMed 0.00004; ExAC 0.00004; gnomAD 0.00004; ESP Exome Variant Server 0.00023.
gnomAD v4.1: 65 of 1,614,040 alleles (0.004%); highest among the groups gnomAD compares: Non-Finnish European, 0.0052%; no homozygotes.

Submissions (8):

Women's Health and Genetics/Laboratory Corporation of America, LabCorp
Classification: Uncertain significance. Last evaluated: 2024-12-03. Review status: criteria provided, single submitter. Criteria: LabCorp Variant Classification Summary - May 2015. Collection method: clinical testing. Allele origin: germline.
Comment: Variant summary: MEFV c.1532C>T (p.Ala511Val) results in a non-conservative amino acid change in the encoded protein sequence. Four of five in-silico tools predict a benign effect of the variant on protein function. The variant allele was found at a frequency of 4e-05 in 251462 control chromosomes. This frequency is not significantly higher than estimated for a pathogenic variant in MEFV causing Familial Mediterranean Fever (4e-05 vs 0.022), allowing no conclusion about variant significance. c.1532C>T, has been reported in the literature in individuals affected with Familial Mediterranean Fever (example: Akar_2010, Vergara_2012). . These report(s) do not provide unequivocal conclusions about association of the variant with Familial Mediterranean Fever. To our knowledge, no experimental evidence demonstrating an impact on protein function has been reported. The following publications have been ascertained in the context of this evaluation (PMID: 31411330, 21727933, 26247045, 24117178, 22281876, 38780575). ClinVar contains an entry for this variant (Variation ID: 646921). Based on the evidence outlined above, the variant was classified as uncertain significance.

Fulgent Genetics
Classification: Uncertain significance for Familial Mediterranean fever, autosomal dominant; Familial Mediterranean fever; Acute febrile neutrophilic dermatosis. Last evaluated: 2024-03-08. Review status: criteria provided, single submitter. Criteria: ACMG Guidelines, 2015. Collection method: clinical testing. Allele origin: germline.

Genome-Nilou Lab
Classification: Likely benign for Familial Mediterranean fever. Last evaluated: 2023-02-08. Review status: criteria provided, single submitter. Criteria: ACMG Guidelines, 2015. Collection method: clinical testing. Allele origin: germline.

Genome-Nilou Lab
Classification: Benign for Familial Mediterranean fever, autosomal dominant. Last evaluated: 2023-02-08. Review status: criteria provided, single submitter. Criteria: ACMG Guidelines, 2015. Collection method: clinical testing. Allele origin: germline.

Genome-Nilou Lab
Classification: Benign for Acute febrile neutrophilic dermatosis. Last evaluated: 2023-02-08. Review status: criteria provided, single submitter. Criteria: ACMG Guidelines, 2015. Collection method: clinical testing. Allele origin: germline.

Labcorp Genetics (formerly Invitae), Labcorp
Classification: Uncertain significance for Familial Mediterranean fever. Last evaluated: 2022-07-25. Review status: criteria provided, single submitter. Criteria: Invitae Variant Classification Sherloc (09022015). Collection method: clinical testing. Allele origin: germline.
Comment: This sequence change replaces alanine, which is neutral and non-polar, with valine, which is neutral and non-polar, at codon 511 of the MEFV protein (p.Ala511Val). This variant is present in population databases (rs144270019, gnomAD 0.01%). This missense change has been observed in individual(s) with familial Mediterranean fever (PMID: 22281876). ClinVar contains an entry for this variant (Variation ID: 646921). Algorithms developed to predict the effect of missense changes on protein structure and function (SIFT, PolyPhen-2, Align-GVGD) all suggest that this variant is likely to be tolerated. In summary, the available evidence is currently insufficient to determine the role of this variant in disease. Therefore, it has been classified as a Variant of Uncertain Significance.

Mendelics
Classification: Uncertain significance for Familial Mediterranean fever. Last evaluated: 2019-05-28. Review status: criteria provided, single submitter. Criteria: Mendelics Assertion Criteria 2017. Collection method: clinical testing. Allele origin: unknown.

Natera, Inc.
Classification: Uncertain significance for Familial Mediterranean fever. Last evaluated: 2020-09-16. Review status: no assertion criteria provided. Collection method: clinical testing. Allele origin: germline. Not counted in ClinVar's aggregate classification.

Literature cited by the submitters: PubMed 21727933 (cited by Women's Health and Genetics/Laboratory Corporation of America, LabCorp); PubMed 24117178 (cited by Women's Health and Genetics/Laboratory Corporation of America, LabCorp); PubMed 26247045 (cited by Women's Health and Genetics/Laboratory Corporation of America, LabCorp); PubMed 22281876 (cited by Women's Health and Genetics/Laboratory Corporation of America, LabCorp and Labcorp Genetics (formerly Invitae), Labcorp); PubMed 31411330 (cited by Women's Health and Genetics/Laboratory Corporation of America, LabCorp); PubMed 38780575 (cited by Women's Health and Genetics/Laboratory Corporation of America, LabCorp).